The following is an entry in ClinVar:

NM_021738.3(SVIL):c.4071G>A (p.Arg1357=)

Gene: SVIL (supervillin; minus strand). Cytogenetic location: 10p11.23.
Variant type: single nucleotide variant.
Coding change: c.4071G>A on transcript NM_021738.3 (MANE Select); coding-DNA position 4071, G replaced by A.
Protein change: p.Arg1357=; no amino-acid change (arginine 1357 retained).
Molecular consequence: synonymous variant.
Genome position (GRCh38, 1-based): chr10:29,490,968, C>T on the plus strand (G>A on the coding strand, the complement: SVIL is on the minus strand). VCF-style: chr10-29490968-C-T. GRCh37 (hg19) VCF-style: chr10-29779897-C-T.
Other names: c.3141G>A, p.Arg1047= (NM_001323599.2); c.2889G>A, p.Arg963= (NM_001323600.1); c.2793G>A, p.Arg931= (NM_003174.3).
Identifiers: ClinVar variation 5039096 (VCV005039096.1).

ClinVar aggregate classification (germline): Likely benign (1 of 4 stars; one submission).

Submission:

CeGaT Center for Human Genetics Tuebingen
Classification: Likely benign. Last evaluated: 2026-07-01. Review status: criteria provided, single submitter. Criteria: CeGaT Center For Human Genetics Tuebingen Variant Classification Criteria Version 2. Collection method: clinical testing. Allele origin: germline. Affected: yes. Observed: 1 variant allele.
Comment: SVIL: PM2:Supporting, BP4, BP7